The following is an entry in ClinVar:

ClinVar aggregate classification (germline): Uncertain significance (1 of 4 stars; one submission).

Submission:

Labcorp Genetics (formerly Invitae), Labcorp
Classification: Uncertain significance. Last evaluated: 2025-09-10. Review status: criteria provided, single submitter. Criteria: Invitae Variant Classification Sherloc (09022015). Collection method: clinical testing. Allele origin: germline.
Comment: This sequence change replaces lysine, which is basic and polar, with glutamic acid, which is acidic and polar, at codon 881 of the CTNNA1 protein (p.Lys881Glu). This variant is not present in population databases (gnomAD no frequency). This variant has not been reported in the literature in individuals affected with CTNNA1-related conditions. Invitae Evidence Modeling of protein sequence and biophysical properties (such as structural, functional, and spatial information, amino acid conservation, physicochemical variation, residue mobility, and thermodynamic stability) indicates that this missense variant is not expected to disrupt CTNNA1 protein function with a negative predictive value of 80%. In summary, the available evidence is currently insufficient to determine the role of this variant in disease. Therefore, it has been classified as a Variant of Uncertain Significance.

NM_001903.5(CTNNA1):c.2641A>G (p.Lys881Glu)

Gene: CTNNA1 (catenin alpha 1; plus strand). Cytogenetic location: 5q31.2.
Variant type: single nucleotide variant.
Coding change: c.2641A>G on transcript NM_001903.5 (MANE Select); coding-DNA position 2641, A replaced by G.
Protein change: p.Lys881Glu; replaces lysine 881 with glutamic acid.
Molecular consequence: missense variant. On other transcripts: 3 prime UTR variant (5).
Genome position (GRCh38, 1-based): chr5:138,934,009, A>G. VCF-style: chr5-138934009-A-G. GRCh37 (hg19) VCF-style: chr5-138269698-A-G.
Other names: c.*186A>G (NM_001290307.3, NM_001324002.1, NM_001324003.1 and 2 more transcripts); c.2332A>G, p.Lys778Glu (NM_001290309.3); c.2272A>G, p.Lys758Glu (NM_001290310.3); c.1531A>G, p.Lys511Glu (NM_001290312.1, NM_001323987.1, NM_001323988.1 and 12 more transcripts); c.2641A>G, p.Lys881Glu (NM_001323982.2, NM_001323983.1, NM_001323984.2); c.2614A>G, p.Lys872Glu (NM_001323985.2); c.2548A>G, p.Lys850Glu (NM_001323986.2); c.1396A>G, p.Lys466Glu (NM_001324001.1); and 3 more; short protein forms K480E, K511E, K872E, K850E, K881E, K398E, K430E, K466E.
Identifiers: ClinVar variation 4741612 (VCV004741612.1).